The following is an entry in ClinVar:

ClinVar aggregate classification (germline): Uncertain significance. Review status: criteria provided, multiple submitters, no conflicts (2 of 4 stars). 2 submissions from 2 submitters: Uncertain significance (2). Last evaluated 2025-06-12.

Conditions:
Familial cancer of breast. Also called: hereditary breast carcinoma; BREAST CANCER, FAMILIAL; Hereditary breast cancer. Identifiers: Orphanet 227535, MedGen C0346153, MONDO:0016419, OMIM 114480. Disease mechanism: loss of function.
Fanconi anemia complementation group J. Also called: BRIP1-Related Fanconi Anemia. Identifiers: Orphanet 84, MedGen C1836860, MONDO:0012187, OMIM 609054.
Hereditary cancer-predisposing syndrome. Also called: Neoplastic Syndromes, Hereditary; Hereditary Cancer Syndrome; Hereditary neoplastic syndrome; Tumor predisposition. Identifiers: Orphanet 140162, MedGen C0027672, MeSH D009386, MONDO:0015356.

Submissions (2):

Ambry Genetics
Classification: Uncertain significance for Hereditary cancer-predisposing syndrome. Last evaluated: 2025-06-12. Review status: criteria provided, single submitter. Criteria: Ambry Variant Classification Scheme 2023. Collection method: clinical testing. Allele origin: germline.
Comment: The p.P812T variant (also known as c.2434C>A), located in coding exon 16 of the BRIP1 gene, results from a C to A substitution at nucleotide position 2434. The proline at codon 812 is replaced by threonine, an amino acid with highly similar properties. This amino acid position is conserved. In addition, this alteration is predicted to be tolerated by in silico analysis. Based on the available evidence, the clinical significance of this variant remains unclear.

Labcorp Genetics (formerly Invitae), Labcorp
Classification: Uncertain significance for Familial cancer of breast; Fanconi anemia complementation group J. Last evaluated: 2021-10-09. Review status: criteria provided, single submitter. Criteria: Invitae Variant Classification Sherloc (09022015). Collection method: clinical testing. Allele origin: germline.
Comment: Algorithms developed to predict the effect of missense changes on protein structure and function are either unavailable or do not agree on the potential impact of this missense change (SIFT: "Tolerated"; PolyPhen-2: "Possibly Damaging"; Align-GVGD: "Class C0"). In summary, the available evidence is currently insufficient to determine the role of this variant in disease. Therefore, it has been classified as a Variant of Uncertain Significance. This sequence change replaces proline with threonine at codon 812 of the BRIP1 protein (p.Pro812Thr). The proline residue is moderately conserved and there is a small physicochemical difference between proline and threonine. This variant is not present in population databases (ExAC no frequency). This variant has not been reported in the literature in individuals affected with BRIP1-related conditions.

NM_032043.3(BRIP1):c.2434C>A (p.Pro812Thr)

Gene: BRIP1 (BRCA1 interacting DNA helicase 1; minus strand). Cytogenetic location: 17q23.2.
Variant type: single nucleotide variant.
Coding change: c.2434C>A on transcript NM_032043.3 (MANE Select); coding-DNA position 2434, C replaced by A.
Protein change: p.Pro812Thr; replaces proline 812 with threonine.
Molecular consequence: missense variant.
Genome position (GRCh38, 1-based): chr17:61,716,009, G>T on the plus strand (C>A on the coding strand, the complement: BRIP1 is on the minus strand). VCF-style: chr17-61716009-G-T. GRCh37 (hg19) VCF-style: chr17-59793370-G-T.
Other names: short protein forms P812T.
Identifiers: ClinVar variation 848215 (VCV000848215.9), dbSNP rs779915262, ClinGen allele CA400479633.